The following is an entry in ClinVar:

NM_001252024.2(TRPM1):c.730G>A (p.Ala244Thr)

Gene: TRPM1 (transient receptor potential cation channel subfamily M member 1; minus strand). Cytogenetic location: 15q13.3.
Variant type: single nucleotide variant.
Coding change: c.730G>A on transcript NM_001252024.2 (MANE Select); coding-DNA position 730, G replaced by A.
Protein change: p.Ala244Thr; replaces alanine 244 with threonine.
Molecular consequence: missense variant.
Genome position (GRCh38, 1-based): chr15:31,066,136, C>T on the plus strand (G>A on the coding strand, the complement: TRPM1 is on the minus strand). VCF-style: chr15-31066136-C-T. GRCh37 (hg19) VCF-style: chr15-31358339-C-T.
Other names: c.781G>A, p.Ala261Thr (NM_001252020.2); c.664G>A, p.Ala222Thr (NM_002420.6); c.781G>A (NM_001252020.1); short protein forms A261T, A222T, A244T.
Identifiers: ClinVar variation 934531 (VCV000934531.11), dbSNP rs750109963, ClinGen allele CA7452860.

ClinVar aggregate classification (germline): Uncertain significance. Review status: criteria provided, multiple submitters, no conflicts (2 of 4 stars). 3 submissions from 3 submitters: Uncertain significance (3). Last evaluated 2025-10-21.

Conditions:
TRPM1-related disorder. Also called: TRPM1-related condition.

Allele frequency attached by ClinVar (database versions not stated): gnomAD exomes 0.00002 and 0.00004; ExAC 0.00003; gnomAD 0.00005; TOPMed 0.00008.

Submissions (3):

PreventionGenetics, part of Exact Sciences
Classification: Uncertain significance for TRPM1-related condition. Last evaluated: 2025-10-21. Review status: criteria provided, single submitter. Criteria: ACMG Guidelines, 2015. Collection method: clinical testing. Allele origin: germline.
Comment: The TRPM1 c.781G>A variant is predicted to result in the amino acid substitution p.Ala261Thr. This variant was previously reported in an individual with congenital stationary night blindness; however, no additional information was provided (reported as c.664G>A/p.Ala222Thr in Zeitz et al. 2015. PubMed ID: 25307992). This variant is reported in 0.026% of alleles in individuals of East Asian descent in gnomAD. At this time, the clinical significance of this variant is uncertain due to the absence of conclusive functional and genetic evidence.

Blueprint Genetics
Classification: Uncertain significance. Last evaluated: 2024-04-26. Review status: criteria provided, single submitter. Criteria: ACMG Guidelines, 2015. Collection method: clinical testing. Allele origin: germline.

Labcorp Genetics (formerly Invitae), Labcorp
Classification: Uncertain significance. Last evaluated: 2024-02-24. Review status: criteria provided, single submitter. Criteria: Invitae Variant Classification Sherloc (09022015). Collection method: clinical testing. Allele origin: germline.
Comment: This sequence change replaces alanine, which is neutral and non-polar, with threonine, which is neutral and polar, at codon 222 of the TRPM1 protein (p.Ala222Thr). This variant is present in population databases (rs750109963, gnomAD 0.03%). This missense change has been observed in individual(s) with congenital stationary night blindness (PMID: 25307992). ClinVar contains an entry for this variant (Variation ID: 934531). Advanced modeling of protein sequence and biophysical properties (such as structural, functional, and spatial information, amino acid conservation, physicochemical variation, residue mobility, and thermodynamic stability) performed at Invitae indicates that this missense variant is not expected to disrupt TRPM1 protein function with a negative predictive value of 95%. In summary, the available evidence is currently insufficient to determine the role of this variant in disease. Therefore, it has been classified as a Variant of Uncertain Significance.

Literature cited by the submitters: PubMed 25307992 (cited by Labcorp Genetics (formerly Invitae), Labcorp).